The following is an entry in ClinVar:

NM_000202.8(IDS):c.283del (p.Arg95fs)

Gene: IDS (iduronate 2-sulfatase; minus strand). Cytogenetic location: Xq28.
Variant type: Deletion.
Coding change: c.283del on transcript NM_000202.8 (MANE Select); coding-DNA position 283, one base deleted (A; older notation c.283delA).
Protein change: p.Arg95fs; shifts the reading frame from arginine 95.
Molecular consequence: frameshift variant. On other transcripts: non-coding transcript variant (1), splice acceptor variant (1).
Genome position (GRCh38, 1-based): chrX:149,503,447, T deleted on the plus strand (A on the coding strand, the reverse complement: IDS is on the minus strand). VCF-style (leftmost placement, unchanged base first): chrX-149503446-CT-C. GRCh37 (hg19) VCF-style: chrX-148584976-CT-C.
Other names: c.283del, p.Arg95fs (NM_006123.5); c.15-2del (NM_001166550.4); short protein forms R95fs.
Identifiers: ClinVar variation 3255650 (VCV003255650.2).

ClinVar aggregate classification (germline): Pathogenic (1 of 4 stars; one submission).

Conditions:
Mucopolysaccharidosis, MPS-II (MPS2). Also called: Hunter Syndrome; IDURONATE 2-SULFATASE DEFICIENCY; Mucopolysaccharidosis Type II; Mucopolysaccharidosis type 2; Attenuated MPS (subtype; formerly known as mild MPS II); Severe MPS II. Identifiers: Orphanet 580, Orphanet 79388, MedGen C0026705, MONDO:0010674, OMIM 309900.

Submission:

Laboratory of Diagnosis and Therapy of Lysosomal Disorders, University of Padova
Classification: Pathogenic for Mucopolysaccharidosis, MPS-II. Last evaluated: 2024-06-07. Review status: criteria provided, single submitter. Criteria: ACMG Guidelines, 2015. Collection method: literature only. Allele origin: germline. Affected: yes. Observed: 1 variant allele.
Comment: Null variant (PVS1_VeryStrong), Absent from controls (or at low frequency) in gnomAD database (PM2_Moderate), Patient’s phenotype or family history highly specific for the disease (PP4_Strong)

Classification method: ACMG Guidelines [PMID:25741868] with modifications

Literature cited by the submitters: PubMed 9660053.